The following is an entry in ClinVar:

NM_018180.3(DHX32):c.1121C>G (p.Ser374Trp)

Genes: BCCIP (BRCA2 and CDKN1A interacting protein; plus strand), DHX32 (DEAH-box helicase 32 (putative); minus strand). Cytogenetic location: 10q26.2.
Variant type: single nucleotide variant.
Coding change: c.1121C>G on transcript NM_018180.3 (MANE Select); coding-DNA position 1121, C replaced by G.
Protein change: p.Ser374Trp; replaces serine 374 with tryptophan.
Molecular consequence: missense variant. On other transcripts: intron variant (1).
Genome position (GRCh38, 1-based): chr10:125,852,614, G>C on the plus strand (C>G on the coding strand, the complement: DHX32 is on the minus strand). VCF-style: chr10-125852614-G-C. GRCh37 (hg19) VCF-style: chr10-127541183-G-C.
Other names: c.851-511G>C (NM_016567.4); short protein forms S374W.
Identifiers: ClinVar variation 2113854 (VCV002113854.4), dbSNP rs776137704, ClinGen allele CA378675807.
Genomic context (GRCh38, chr10:125,852,614, plus strand): 5'-GAGCCAAGAATCTGCTTGCGTATCTCTGCCTGGCTCTGGCTGATGGGCTGCATGACGAGC[G>C]AGTTTGCTCTTATTCTCGGGTTGTACACCTTTAAATGGAAAGACAGCATCATTAGCGTCA-3'
Protein context (NP_060650.2, residues 364-384): KVYNPRIRAN[Ser374Trp]LVMQPISQSQ

ClinVar aggregate classification (germline): Uncertain significance (1 of 4 stars; one submission).

gnomAD v4.1: 1 of 1,612,286 alleles (0.000062%); highest among the groups gnomAD compares: Non-Finnish European, 0.000085%; no homozygotes.

Submission:

Labcorp Genetics (formerly Invitae), Labcorp
Classification: Uncertain significance. Last evaluated: 2022-05-21. Review status: criteria provided, single submitter. Criteria: Invitae Variant Classification Sherloc (09022015). Collection method: clinical testing. Allele origin: germline.
Comment: In summary, the available evidence is currently insufficient to determine the role of this variant in disease. Therefore, it has been classified as a Variant of Uncertain Significance. Algorithms developed to predict the effect of missense changes on protein structure and function (SIFT, PolyPhen-2, Align-GVGD) all suggest that this variant is likely to be disruptive. This variant has not been reported in the literature in individuals affected with DHX32-related conditions. This variant is not present in population databases (gnomAD no frequency). This sequence change replaces serine, which is neutral and polar, with tryptophan, which is neutral and slightly polar, at codon 374 of the DHX32 protein (p.Ser374Trp).